The following is an entry in ClinVar:

NM_005120.3(MED12):c.5711C>T (p.Ala1904Val)

Gene: MED12 (mediator complex subunit 12; plus strand). Cytogenetic location: Xq13.1.
Variant type: single nucleotide variant.
Coding change: c.5711C>T on transcript NM_005120.3 (MANE Select); coding-DNA position 5711, C replaced by T.
Protein change: p.Ala1904Val; replaces alanine 1904 with valine.
Molecular consequence: missense variant.
Genome position (GRCh38, 1-based): chrX:71,137,346, C>T. VCF-style: chrX-71137346-C-T. GRCh37 (hg19) VCF-style: chrX-70357196-C-T.
Other names: short protein forms A1904V.
Identifiers: ClinVar variation 95255 (VCV000095255.32), dbSNP rs200663107, ClinGen allele CA222845.
Genomic context (GRCh38, chrX:71,137,346, plus strand): 5'-GCGTCATGGGTTTAGAACCCTCCTCTTATAAGACCTCTGTGTACCGGCAGCAGCAACCTG[C>T]GGTGCCCCAAGGACAGCGCCTTCGCCAACAGCTCCAGGCAAAGATAGTGAGAGGGGCAGT-3'
Protein context (NP_005111.2, residues 1894-1914): KTSVYRQQQP[Ala1904Val]VPQGQRLRQQ

ClinVar aggregate classification (germline): Benign/Likely benign. Review status: criteria provided, multiple submitters, no conflicts (2 of 4 stars). 13 submissions from 13 submitters: Benign (3); Likely benign (5). 5 of the submissions do not count toward it. Last evaluated 2026-01-24.

Conditions:
FG syndrome (FGS). Identifiers: MedGen C0220769, MONDO:0002010.
MED12-Related Disorders. Also called: MED12-related condition; MED12-related disorder. Identifiers: MedGen CN381102.
Familial thoracic aortic aneurysm and aortic dissection (TAAD). Also called: Thoracic aortic aneurysms and dissections. Identifiers: Orphanet 91387, MedGen C4707243, MONDO:0019625.

Allele frequency attached by ClinVar (database versions not stated): gnomAD 0.00092 and 0.00089; 1000 Genomes Project 30x 0.00021; TOPMed 0.00093; ExAC 0.00106; ESP Exome Variant Server 0.00143; 1000 Genomes Project 0.00026; gnomAD exomes 0.00104 and 0.00118.

Submissions (13):

Labcorp Genetics (formerly Invitae), Labcorp
Classification: Likely benign for FG syndrome. Last evaluated: 2026-01-24. Review status: criteria provided, single submitter. Criteria: Invitae Variant Classification Sherloc (09022015). Collection method: clinical testing. Allele origin: germline.

Blueprint Genetics
Classification: Likely benign. Last evaluated: 2024-11-28. Review status: criteria provided, single submitter. Criteria: ACMG Guidelines, 2015. Collection method: clinical testing. Allele origin: germline.

Mayo Clinic Laboratories, Mayo Clinic
Classification: Benign. Last evaluated: 2024-07-31. Review status: criteria provided, single submitter. Criteria: ACMG Guidelines, 2015. Collection method: clinical testing. Allele origin: germline. Observed: 3 variant alleles.
Comment: BS1, BS2, BP4, PP2

GeneDx
Classification: Benign. Last evaluated: 2020-03-23. Review status: criteria provided, single submitter. Criteria: GeneDx Variant Classification Process June 2021. Collection method: clinical testing. Allele origin: germline. Affected: yes.
Comment: This variant is associated with the following publications: (PMID: 28152038, 26813965, 24728327)

Ambry Genetics
Classification: Benign for Familial thoracic aortic aneurysm and aortic dissection. Last evaluated: 2018-05-18. Review status: criteria provided, single submitter. Criteria: Ambry Variant Classification Scheme 2023. Collection method: clinical testing. Allele origin: germline.

Center for Pediatric Genomic Medicine, Children's Mercy Hospital and Clinics
Classification: Likely benign. Last evaluated: 2016-01-18. Review status: criteria provided, single submitter. Criteria: ACMG Guidelines, 2015. Collection method: clinical testing. Allele origin: germline.
ClinVar note: Converted during submission from Likely Benign to Likely benign.

Eurofins Ntd Llc (ga)
Classification: Likely benign. Last evaluated: 2015-11-09. Review status: criteria provided, single submitter. Criteria: EGL Classification Definitions 2015. Collection method: clinical testing. Allele origin: germline. Observed: 5 variant alleles, 2 heterozygotes, 1 homozygote, 2 hemizygotes.

Genetic Services Laboratory, University of Chicago
Classification: Likely benign. Last evaluated: 2015-09-14. Review status: criteria provided, single submitter. Criteria: ACMG Guidelines, 2015. Collection method: clinical testing. Allele origin: germline. Affected: no.

PreventionGenetics, part of Exact Sciences
Classification: Benign for MED12-related condition. Last evaluated: 2020-01-23. Review status: no assertion criteria provided. Collection method: clinical testing. Allele origin: germline. Not counted in ClinVar's aggregate classification.
Comment: This variant is classified as benign based on ACMG/AMP sequence variant interpretation guidelines (Richards et al. 2015 PMID: 25741868, with internal and published modifications).

ITMI
No classification provided. Condition: AllHighlyPenetrant. Last evaluated: 2013-09-19. Review status: no classification provided. Collection method: reference population. Allele origin: germline. Not counted in ClinVar's aggregate classification.
Comment: Please see associated publication for description of ethnicities

Clinical Genetics DNA and cytogenetics Diagnostics Lab, Erasmus MC, Erasmus Medical Center
Classification: Likely benign. Review status: no assertion criteria provided. Collection method: clinical testing. Allele origin: germline. Affected: yes. Study: VKGL Data-share Consensus. Not counted in ClinVar's aggregate classification.

Genome Diagnostics Laboratory, University Medical Center Utrecht
Classification: Likely benign. Review status: no assertion criteria provided. Collection method: clinical testing. Allele origin: germline. Affected: yes. Study: VKGL Data-share Consensus. Not counted in ClinVar's aggregate classification.

Laboratory of Diagnostic Genome Analysis, Leiden University Medical Center (LUMC)
Classification: Likely benign. Review status: no assertion criteria provided. Collection method: clinical testing. Allele origin: germline. Affected: yes. Study: VKGL Data-share Consensus. Not counted in ClinVar's aggregate classification.

Literature cited by the submitters: PubMed 24728327 (cited by ITMI).